The following is an entry in ClinVar:

NM_005560.6(LAMA5):c.6334C>G (p.Gln2112Glu)

Gene: LAMA5 (laminin subunit alpha 5; minus strand). Cytogenetic location: 20q13.33.
Variant type: single nucleotide variant.
Coding change: c.6334C>G on transcript NM_005560.6 (MANE Select); coding-DNA position 6334, C replaced by G.
Protein change: p.Gln2112Glu; replaces glutamine 2112 with glutamic acid.
Molecular consequence: missense variant.
Genome position (GRCh38, 1-based): chr20:62,322,281, G>C on the plus strand (C>G on the coding strand, the complement: LAMA5 is on the minus strand). VCF-style: chr20-62322281-G-C. GRCh37 (hg19) VCF-style: chr20-60897337-G-C.
Other names: short protein forms Q2112E.
Identifiers: ClinVar variation 2874908 (VCV002874908.3), dbSNP rs1978381880, ClinGen allele CA409558779.

ClinVar aggregate classification (germline): Uncertain significance (1 of 4 stars; one submission).

Allele frequency attached by ClinVar (database versions not stated): gnomAD exomes 0.00001.
gnomAD v4.1: 5 of 1,597,724 alleles (0.00031%); highest among the groups gnomAD compares: East Asian, 0.011%; no homozygotes.

Submission:

Labcorp Genetics (formerly Invitae), Labcorp
Classification: Uncertain significance. Last evaluated: 2025-04-14. Review status: criteria provided, single submitter. Criteria: Invitae Variant Classification Sherloc (09022015). Collection method: clinical testing. Allele origin: germline.
Comment: This sequence change replaces glutamine, which is neutral and polar, with glutamic acid, which is acidic and polar, at codon 2112 of the LAMA5 protein (p.Gln2112Glu). This variant is not present in population databases (gnomAD no frequency). This variant has not been reported in the literature in individuals affected with LAMA5-related conditions. ClinVar contains an entry for this variant (Variation ID: 2874908). An algorithm developed to predict the effect of missense changes on protein structure and function (PolyPhen-2) suggests that this variant is likely to be tolerated. In summary, the available evidence is currently insufficient to determine the role of this variant in disease. Therefore, it has been classified as a Variant of Uncertain Significance.